The following is an entry in ClinVar:

NM_013254.4(TBK1):c.630A>T (p.Thr210=)

Gene: TBK1 (TANK binding kinase 1; plus strand). Cytogenetic location: 12q14.2.
Variant type: single nucleotide variant.
Coding change: c.630A>T on transcript NM_013254.4 (MANE Select); coding-DNA position 630, A replaced by T.
Protein change: p.Thr210=; no amino-acid change (threonine 210 retained).
Molecular consequence: synonymous variant.
Genome position (GRCh38, 1-based): chr12:64,474,319, A>T. VCF-style: chr12-64474319-A-T. GRCh37 (hg19) VCF-style: chr12-64868099-A-T.
Identifiers: ClinVar variation 703940 (VCV000703940.35), dbSNP rs201336522, ClinGen allele CA6668862.

ClinVar aggregate classification (germline): Benign/Likely benign. Review status: criteria provided, multiple submitters, no conflicts (2 of 4 stars). 3 submissions from 3 submitters: Benign (1); Likely benign (1). 1 of the submissions does not count toward it. Last evaluated 2025-12-16.

Conditions:
TBK1-related disorder. Also called: TBK1-related condition.
Frontotemporal dementia and/or amyotrophic lateral sclerosis 4. Also called: FTDALS4. Identifiers: Orphanet 275872, MedGen C4225325, MONDO:0014641, OMIM 616439.

Allele frequency attached by ClinVar (database versions not stated): gnomAD 0.00008 and 0.00031; TOPMed 0.00009; ESP Exome Variant Server 0.00015; 1000 Genomes Project 0.00040; gnomAD exomes 0.00049 and 0.00091; 1000 Genomes Project 30x 0.00078; ExAC 0.00104.
gnomAD v4.1: 772 of 1,614,034 alleles (0.048%); highest among the groups gnomAD compares: South Asian, 0.68%; 14 homozygotes.

Submissions (3):

Labcorp Genetics (formerly Invitae), Labcorp
Classification: Benign for Frontotemporal dementia and/or amyotrophic lateral sclerosis 4. Last evaluated: 2025-12-16. Review status: criteria provided, single submitter. Criteria: Invitae Variant Classification Sherloc (09022015). Collection method: clinical testing. Allele origin: germline.

CeGaT Center for Human Genetics Tuebingen
Classification: Likely benign. Last evaluated: 2025-04-01. Review status: criteria provided, single submitter. Criteria: CeGaT Center For Human Genetics Tuebingen Variant Classification Criteria Version 2. Collection method: clinical testing. Allele origin: germline. Affected: yes. Observed: 2 variant alleles.
Comment: TBK1: BP4, BP7, BS2

PreventionGenetics, part of Exact Sciences
Classification: Benign for TBK1-related condition. Last evaluated: 2020-02-24. Review status: no assertion criteria provided. Collection method: clinical testing. Allele origin: germline. Not counted in ClinVar's aggregate classification.
Comment: This variant is classified as benign based on ACMG/AMP sequence variant interpretation guidelines (Richards et al. 2015 PMID: 25741868, with internal and published modifications).